The following is an entry in ClinVar:

NM_031892.3(SH3KBP1):c.1666A>G (p.Met556Val)

Gene: SH3KBP1 (SH3 domain containing kinase binding protein 1; minus strand). Cytogenetic location: Xp22.12.
Variant type: single nucleotide variant.
Coding change: c.1666A>G on transcript NM_031892.3 (MANE Select); coding-DNA position 1666, A replaced by G.
Protein change: p.Met556Val; replaces methionine 556 with valine.
Molecular consequence: missense variant.
Genome position (GRCh38, 1-based): chrX:19,542,151, T>C on the plus strand (A>G on the coding strand, the complement: SH3KBP1 is on the minus strand). VCF-style: chrX-19542151-T-C. GRCh37 (hg19) VCF-style: chrX-19560269-T-C.
Other names: c.1555A>G, p.Met519Val (NM_001024666.3); c.952A>G, p.Met318Val (NM_001184960.2); c.1537A>G, p.Met513Val (NM_001353890.2); c.1741A>G, p.Met581Val (NM_001353891.2); c.1612A>G, p.Met538Val (NM_001353892.2); c.1564A>G, p.Met522Val (NM_001353893.2); c.1435A>G, p.Met479Val (NM_001353894.2); c.1492A>G, p.Met498Val (NM_001353895.2); and 4 more; short protein forms M454V, M557V, M513V, M519V, M581V, M498V, M538V, M556V.
Identifiers: ClinVar variation 1952869 (VCV001952869.5), dbSNP rs2064932134, ClinGen allele CA412496077.

ClinVar aggregate classification (germline): Uncertain significance (1 of 4 stars; one submission).

Allele frequency attached by ClinVar (database versions not stated): gnomAD exomes below 0.00001; TOPMed below 0.00001.
gnomAD v4.1: 2 of 1,197,315 alleles (0.00017%); highest among the groups gnomAD compares: Admixed American, 0.0022%; no homozygotes.

Submission:

Labcorp Genetics (formerly Invitae), Labcorp
Classification: Uncertain significance. Last evaluated: 2025-09-14. Review status: criteria provided, single submitter. Criteria: Invitae Variant Classification Sherloc (09022015). Collection method: clinical testing. Allele origin: germline.
Comment: This sequence change replaces methionine, which is neutral and non-polar, with valine, which is neutral and non-polar, at codon 556 of the SH3KBP1 protein (p.Met556Val). This variant is not present in population databases (gnomAD no frequency). This variant has not been reported in the literature in individuals affected with SH3KBP1-related conditions. ClinVar contains an entry for this variant (Variation ID: 1952869). Invitae Evidence Modeling of protein sequence and biophysical properties (such as structural, functional, and spatial information, amino acid conservation, physicochemical variation, residue mobility, and thermodynamic stability) indicates that this missense variant is not expected to disrupt SH3KBP1 protein function with a negative predictive value of 80%. In summary, the available evidence is currently insufficient to determine the role of this variant in disease. Therefore, it has been classified as a Variant of Uncertain Significance.